The following is an entry in ClinVar:

NM_000288.4(PEX7):c.*115A>G

Gene: PEX7 (peroxisomal biogenesis factor 7; plus strand). Cytogenetic location: 6q23.3.
Variant type: single nucleotide variant.
Coding change: c.*115A>G on transcript NM_000288.4 (MANE Select); 115 bases downstream of the stop codon, A replaced by G.
Molecular consequence: 3 prime UTR variant.
Genome position (GRCh38, 1-based): chr6:136,913,641, A>G. VCF-style: chr6-136913641-A-G. GRCh37 (hg19) VCF-style: chr6-137234779-A-G.
Identifiers: ClinVar variation 907581 (VCV000907581.4), dbSNP rs41288967, ClinGen allele CA148230601.
Genomic context (GRCh38, chr6:136,913,641, plus strand): 5'-CAAATAAATTAACTATGGAAAACATAGACATTATGCTTTTATATGCTATTCAGATTTCAA[A>G]TCTTTCCAATTTACCCTGGAATCAGTTTTGAGGGAGCTGATAAAGACTTTAGCTGACTCG-3'

ClinVar aggregate classification (germline): Likely benign. Review status: criteria provided, single submitter (1 of 4 stars). 2 submissions from 1 submitter: Likely benign (2). Last evaluated 2018-01-13.

Conditions:
Peroxisome biogenesis disorder 9B. Also called: Refsum disease, adult, 2; PEX7-Related Refsum Disease; PEROXISOME BIOGENESIS DISORDER, PEX7-RELATED, ATYPICAL. Identifiers: Orphanet 773, MedGen C2749346, MONDO:0013945, OMIM 614879.
Rhizomelic chondrodysplasia punctata type 1 (RCDP1). Also called: CHONDRODYSTROPHIA CALCIFICANS PUNCTATA; PEX7-Related Rhizomelic Chondrodysplasia Punctata; PEROXISOME BIOGENESIS DISORDER 9. Identifiers: Orphanet 177, Orphanet 309789, MedGen C1859133, MONDO:0008972, OMIM 215100. Disease mechanism: loss of function.

Allele frequency attached by ClinVar (database versions not stated): gnomAD 0.00006 and 0.00046; TOPMed 0.00006; 1000 Genomes Project 30x 0.00250; 1000 Genomes Project 0.00260.
gnomAD v4.1: 760 of 815,400 alleles (0.093%); highest among the groups gnomAD compares: South Asian, 0.98%; 19 homozygotes.

Submissions (2):

Illumina Laboratory Services, Illumina
Classification: Likely benign for Rhizomelic chondrodysplasia punctata type 1. Last evaluated: 2018-01-13. Review status: criteria provided, single submitter. Criteria: ICSL Variant Classification Criteria 13 December 2019. Collection method: clinical testing. Allele origin: germline.
Comment: This variant was observed in the ICSL laboratory as part of a predisposition screen in an ostensibly healthy population. It had not been previously curated by ICSL or reported in the Human Gene Mutation Database (HGMD: prior to June 1st, 2018), and was therefore a candidate for classification through an automated scoring system. Utilizing variant allele frequency, disease prevalence and penetrance estimates, and inheritance mode, an automated score was calculated to assess if this variant is too frequent to cause the disease. Based on the score and internal cut-off values, a variant classified as likely benign is not then subjected to further curation. The score for this variant resulted in a classification of likely benign for this disease.

Illumina Laboratory Services, Illumina
Classification: Likely benign for Peroxisome biogenesis disorder 9B. Last evaluated: 2018-01-13. Review status: criteria provided, single submitter. Criteria: ICSL Variant Classification Criteria 13 December 2019. Collection method: clinical testing. Allele origin: germline.
Comment: the same text as in the submission from Illumina Laboratory Services, Illumina above.